The following is an entry in ClinVar:

ClinVar aggregate classification (germline): Benign. Review status: criteria provided, multiple submitters, no conflicts (2 of 4 stars). 2 submissions from 2 submitters: Benign (2). Last evaluated 2018-06-14.

Allele frequency attached by ClinVar (database versions not stated): 1000 Genomes Project 30x 0.08542; 1000 Genomes Project 0.08626; gnomAD 0.14196 and 0.14483; TOPMed 0.14810; gnomAD exomes 0.15964.
gnomAD v4.1: 116,507 of 745,082 alleles (16%); highest among the groups gnomAD compares: Middle Eastern, 21%; 11,554 homozygotes.

Submissions (2):

GeneDx
Classification: Benign. Last evaluated: 2018-06-14. Review status: criteria provided, single submitter. Criteria: GeneDx Variant Classification (06012015). Collection method: clinical testing. Allele origin: germline. Affected: yes.
Comment: This variant is considered likely benign or benign based on one or more of the following criteria: it is a conservative change, it occurs at a poorly conserved position in the protein, it is predicted to be benign by multiple in silico algorithms, and/or has population frequency not consistent with disease.

Breakthrough Genomics
Classification: Benign. Review status: criteria provided, single submitter. Criteria: ACMG Guidelines, 2015. Collection method: not provided. Allele origin: germline. Inheritance: Autosomal dominant inheritance. Affected: yes.

NM_015443.4(KANSL1):c.1432-80C>T

Gene: KANSL1 (KAT8 regulatory NSL complex subunit 1). Cytogenetic location: 17q21.31.
Variant type: single nucleotide variant.
Coding change: c.1432-80C>T on transcript NM_015443.4 (MANE Select); 80 bases into the intron before coding-DNA position 1432, C replaced by T.
Molecular consequence: intron variant.
Genome position (GRCh38, 1-based): chr17:46,082,622, G>A on the plus strand (C>T on the coding strand, the complement: KANSL1 is on the minus strand). VCF-style: chr17-46082622-G-A. GRCh37 (hg19) VCF-style: chr17-44159988-G-A.
Other names: c.1432-80C>T (NM_001193465.2, NM_001379198.1, NM_001193466.2).
Identifiers: ClinVar variation 670657 (VCV000670657.2), dbSNP rs17576200, ClinGen allele CA15893306.
Genomic context (GRCh38, chr17:46,082,622, plus strand): 5'-AAAATAGCATAAGTGAGCAGTATAAACTTCAAATTTAATTTAGGAGTTAAGTCTCAAAAG[G>A]ACTGTTGGTGTACTAGAGGCCCCCTCTTCCTCACCCTATGGTTCAGAAACAAACTACAGC-3'